The following is an entry in ClinVar:

NM_006516.4(SLC2A1):c.312C>G (p.Phe104Leu)

Gene: SLC2A1 (solute carrier family 2 member 1; minus strand). Cytogenetic location: 1p34.2.
Variant type: single nucleotide variant.
Coding change: c.312C>G on transcript NM_006516.4 (MANE Select); coding-DNA position 312, C replaced by G.
Protein change: p.Phe104Leu; replaces phenylalanine 104 with leucine.
Molecular consequence: missense variant.
Genome position (GRCh38, 1-based): chr1:42,930,830, G>C on the plus strand (C>G on the coding strand, the complement: SLC2A1 is on the minus strand). VCF-style: chr1-42930830-G-C. GRCh37 (hg19) VCF-style: chr1-43396501-G-C.
Other names: short protein forms F104L.
Identifiers: ClinVar variation 297381 (VCV000297381.25), dbSNP rs76672402, ClinGen allele CA803560.

ClinVar aggregate classification (germline): Benign/Likely benign. Review status: criteria provided, multiple submitters, no conflicts (2 of 4 stars). 12 submissions from 7 submitters: Benign (3); Likely benign (8). 1 of the submissions does not count toward it. Last evaluated 2025-07-03.

Conditions:
SLC2A1-related disorder. Also called: SLC2A1-related condition; SLC2A1-related disorders.
Hereditary cryohydrocytosis with reduced stomatin. Also called: Stomatin-deficient cryohydrocytosis with neurologic defects; GLUT1 DEFICIENCY SYNDROME WITH PSEUDOHYPERKALEMIA AND HEMOLYSIS. Identifiers: Orphanet 168577, MedGen C1837206, MONDO:0012143, OMIM 608885.
Epilepsy, idiopathic generalized, susceptibility to, 12 (EIG12). Identifiers: MedGen C3553859, MONDO:0013919, OMIM 614847.
Inborn genetic diseases. Identifiers: MedGen C0950123, MeSH D030342.
Dystonia 9 (DYT9). Also called: CHOREOATHETOSIS, KINESIGENIC, WITH EPISODIC ATAXIA AND SPASTICITY. Identifiers: Orphanet 53583, MedGen C1832855, MONDO:0010983, OMIM 601042.
GLUT1 deficiency syndrome 1, autosomal recessive. Identifiers: MedGen C3149117.
Childhood onset GLUT1 deficiency syndrome 2. Also called: Paroxysmal exercise-induced dystonia; PxMD-SLC2A1; GLUT1 deficiency syndrome 2; PAROXYSMAL EXERCISE-INDUCED DYSKINESIA WITH OR WITHOUT EPILEPSY AND/OR HEMOLYTIC ANEMIA; PAROXYSMAL EXERTION-INDUCED DYSTONIA WITH OR WITHOUT EPILEPSY AND/OR HEMOLYTIC ANEMIA; PED WITH OR WITHOUT EPILEPSY AND/OR HEMOLYTIC ANEMIA. Identifiers: Orphanet 98811, MedGen C1842534, MONDO:0012805, OMIM 612126.
Encephalopathy due to GLUT1 deficiency. Also called: GLUT1 deficiency syndrome 1, infantile onset, severe; Glucose transporter protein syndrome; GLUCOSE TRANSPORT DEFECT, BLOOD-BRAIN BARRIER; GLUT1 deficiency syndrome 1; Classic Glucose Transporter Type 1 Deficiency Syndrome; De Vivo disease. Identifiers: Orphanet 71277, MedGen C4551966, MONDO:0011724, OMIM 606777.

Allele frequency attached by ClinVar (database versions not stated): TOPMed 0.00008; gnomAD 0.00010; ESP Exome Variant Server 0.00023.
gnomAD v4.1: 176 of 1,600,710 alleles (0.011%); highest among the groups gnomAD compares: Non-Finnish European, 0.0029%; 4 homozygotes.

Submissions (12):

Labcorp Genetics (formerly Invitae), Labcorp
Classification: Benign for GLUT1 deficiency syndrome 1, autosomal recessive. Last evaluated: 2025-07-03. Review status: criteria provided, single submitter. Criteria: Invitae Variant Classification Sherloc (09022015). Collection method: clinical testing. Allele origin: germline.

Genome-Nilou Lab
Classification: Likely benign for Epilepsy, idiopathic generalized, susceptibility to, 12. Last evaluated: 2023-04-11. Review status: criteria provided, single submitter. Criteria: ACMG Guidelines, 2015. Collection method: clinical testing. Allele origin: germline. Affected: no.

Genome-Nilou Lab
Classification: Likely benign for Dystonia 9. Last evaluated: 2023-04-11. Review status: criteria provided, single submitter. Criteria: ACMG Guidelines, 2015. Collection method: clinical testing. Allele origin: germline. Affected: no.

Genome-Nilou Lab
Classification: Likely benign for Encephalopathy due to GLUT1 deficiency. Last evaluated: 2023-04-11. Review status: criteria provided, single submitter. Criteria: ACMG Guidelines, 2015. Collection method: clinical testing. Allele origin: germline. Affected: no.

Genome-Nilou Lab
Classification: Likely benign for Childhood onset GLUT1 deficiency syndrome 2. Last evaluated: 2023-04-11. Review status: criteria provided, single submitter. Criteria: ACMG Guidelines, 2015. Collection method: clinical testing. Allele origin: germline. Affected: no.

Genome-Nilou Lab
Classification: Likely benign for Hereditary cryohydrocytosis with reduced stomatin. Last evaluated: 2023-04-11. Review status: criteria provided, single submitter. Criteria: ACMG Guidelines, 2015. Collection method: clinical testing. Allele origin: germline. Affected: no.

GeneDx
Classification: Likely benign. Last evaluated: 2020-01-28. Review status: criteria provided, single submitter. Criteria: GeneDx Variant Classification Process June 2021. Collection method: clinical testing. Allele origin: germline. Affected: yes.

Illumina Laboratory Services, Illumina
Classification: Benign for Encephalopathy due to GLUT1 deficiency. Last evaluated: 2018-01-13. Review status: criteria provided, single submitter. Criteria: ICSL Variant Classification Criteria 13 December 2019. Collection method: clinical testing. Allele origin: germline.
Comment: This variant was observed in the ICSL laboratory as part of a predisposition screen in an ostensibly healthy population. It had not been previously curated by ICSL or reported in the Human Gene Mutation Database (HGMD: prior to June 1st, 2018), and was therefore a candidate for classification through an automated scoring system. Utilizing variant allele frequency, disease prevalence and penetrance estimates, and inheritance mode, an automated score was calculated to assess if this variant is too frequent to cause the disease. Based on the score and internal cut-off values, a variant classified as benign is not then subjected to further curation. The score for this variant resulted in a classification of benign for this disease.

Illumina Laboratory Services, Illumina
Classification: Benign for Dystonia 9. Last evaluated: 2018-01-13. Review status: criteria provided, single submitter. Criteria: ICSL Variant Classification Criteria 13 December 2019. Collection method: clinical testing. Allele origin: germline.
Comment: the same text as in the submission from Illumina Laboratory Services, Illumina above.

Ambry Genetics
Classification: Likely benign for Inborn genetic diseases. Last evaluated: 2017-07-27. Review status: criteria provided, single submitter. Criteria: Ambry Variant Classification Scheme 2023. Collection method: clinical testing. Allele origin: germline.

Eurofins Ntd Llc (ga)
Classification: Likely benign. Last evaluated: 2016-11-21. Review status: criteria provided, single submitter. Criteria: EGL Classification Definitions 2015. Collection method: clinical testing. Allele origin: germline. Observed: 1 variant allele, 1 heterozygote.

PreventionGenetics, part of Exact Sciences
Classification: Likely benign for SLC2A1-related condition. Last evaluated: 2022-03-28. Review status: no assertion criteria provided. Collection method: clinical testing. Allele origin: germline. Not counted in ClinVar's aggregate classification.
Comment: This variant is classified as likely benign based on ACMG/AMP sequence variant interpretation guidelines (Richards et al. 2015 PMID: 25741868, with internal and published modifications).